The following is an entry in ClinVar:

ClinVar aggregate classification (germline): Uncertain significance. Review status: criteria provided, multiple submitters, no conflicts (2 of 4 stars). 2 submissions from 2 submitters: Uncertain significance (2). Last evaluated 2025-10-02.

Conditions:
Houge-Janssens syndrome 2. Also called: PPP2R1A-Related Neurodevelopmental Disorder; Microcephaly-corpus callosum hypoplasia-intellectual disability-facial dysmorphism syndrome; INTELLECTUAL DEVELOPMENTAL DISORDER, AUTOSOMAL DOMINANT 36. Identifiers: Orphanet 457284, MedGen C4225352, MONDO:0014605, OMIM 616362.

Allele frequency attached by ClinVar (database versions not stated): gnomAD 0.00002; TOPMed 0.00002.
gnomAD v4.1: 11 of 1,614,054 alleles (0.00068%); highest among the groups gnomAD compares: East Asian, 0.0022%; no homozygotes.

Submissions (2):

Labcorp Genetics (formerly Invitae), Labcorp
Classification: Uncertain significance. Last evaluated: 2025-10-02. Review status: criteria provided, single submitter. Criteria: Invitae Variant Classification Sherloc (09022015). Collection method: clinical testing. Allele origin: germline.
Comment: This sequence change replaces alanine, which is neutral and non-polar, with threonine, which is neutral and polar, at codon 589 of the PPP2R1A protein (p.Ala589Thr). This variant is present in population databases (rs780001633, gnomAD 0.01%). This variant has not been reported in the literature in individuals affected with PPP2R1A-related conditions. ClinVar contains an entry for this variant (Variation ID: 2689819). An algorithm developed to predict the effect of missense changes on protein structure and function (PolyPhen-2) suggests that this variant is likely to be tolerated. In summary, the available evidence is currently insufficient to determine the role of this variant in disease. Therefore, it has been classified as a Variant of Uncertain Significance.

Revvity Omics, Revvity
Classification: Uncertain significance for Houge-Janssens syndrome 2. Last evaluated: 2023-06-13. Review status: criteria provided, single submitter. Criteria: ACMG Guidelines, 2015. Collection method: clinical testing. Allele origin: germline.

NM_014225.6(PPP2R1A):c.1765G>A (p.Ala589Thr)

Gene: PPP2R1A (protein phosphatase 2 scaffold subunit Aalpha; plus strand). Cytogenetic location: 19q13.41.
Variant type: single nucleotide variant.
Coding change: c.1765G>A on transcript NM_014225.6 (MANE Select); coding-DNA position 1765, G replaced by A.
Protein change: p.Ala589Thr; replaces alanine 589 with threonine.
Molecular consequence: missense variant. On other transcripts: non-coding transcript variant (1).
Genome position (GRCh38, 1-based): chr19:52,225,976, G>A. VCF-style: chr19-52225976-G-A. GRCh37 (hg19) VCF-style: chr19-52729229-G-A.
Other names: c.1228G>A, p.Ala410Thr (NM_001363656.2); short protein forms A410T, A589T.
Identifiers: ClinVar variation 2689819 (VCV002689819.5), dbSNP rs780001633, ClinGen allele CA9621700.